The following is an entry in ClinVar:

ClinVar aggregate classification (germline): Conflicting classifications of pathogenicity. Review status: criteria provided, conflicting classifications (1 of 4 stars). 2 submissions from 2 submitters: Likely pathogenic (1); Uncertain significance (1). Last evaluated 2026-02-09.

Conditions:
Glycogen storage disease, type IV (GSD4). Also called: Glycogen storage disease due to glycogen branching enzyme deficiency; AMYLOPECTINOSIS; ANDERSEN DISEASE; BRANCHER DEFICIENCY; CIRRHOSIS, FAMILIAL, WITH DEPOSITION OF ABNORMAL GLYCOGEN; GBE1 DEFICIENCY. Identifiers: Orphanet 367, MedGen C0017923, MONDO:0009292, OMIM 232500.
Glycogen storage disease IV, classic hepatic. Also called: GSD IV, CLASSIC HEPATIC. Identifiers: MedGen C1856301.

Submissions (2):

Myriad Genetics, Inc.
Classification: Uncertain significance for Glycogen storage disease, type IV. Last evaluated: 2026-02-09. Review status: criteria provided, single submitter. Criteria: Myriad Autosomal Dominant, Autosomal Recessive and X-Linked Classification Criteria (2023). Collection method: clinical testing. Allele origin: unknown.
Comment: NM_000158.3(GBE1):c.1622A>G(N541S) is a missense variant classified as a variant of uncertain significance in the context of glycogen storage disease, GBE1-related. N541S has not been observed in cases with relevant disease. Relevant functional assessments of this variant are not available in the literature. N541S has not been observed in referenced population frequency databases. In summary, there is insufficient evidence to classify NM_000158.3(GBE1):c.1622A>G(N541S) as pathogenic or benign. Please note: this variant was assessed in the context of healthy population screening.

Labcorp Genetics (formerly Invitae), Labcorp
Classification: Likely pathogenic for Glycogen storage disease, type IV; Glycogen storage disease IV, classic hepatic. Last evaluated: 2022-11-29. Review status: criteria provided, single submitter. Criteria: Invitae Variant Classification Sherloc (09022015). Collection method: clinical testing. Allele origin: germline.
Comment: Advanced modeling of protein sequence and biophysical properties (such as structural, functional, and spatial information, amino acid conservation, physicochemical variation, residue mobility, and thermodynamic stability) performed at Invitae indicates that this missense variant is expected to disrupt GBE1 protein function. This variant has not been reported in the literature in individuals affected with GBE1-related conditions. This variant is not present in population databases (gnomAD no frequency). This sequence change replaces asparagine, which is neutral and polar, with serine, which is neutral and polar, at codon 541 of the GBE1 protein (p.Asn541Ser). This variant disrupts the p.Asn541 amino acid residue in GBE1. Other variant(s) that disrupt this residue have been determined to be pathogenic (PMID: 25544507; Invitae). This suggests that this residue is clinically significant, and that variants that disrupt this residue are likely to be disease-causing. In summary, the currently available evidence indicates that the variant is pathogenic, but additional data are needed to prove that conclusively. Therefore, this variant has been classified as Likely Pathogenic.

Literature cited by the submitters: PubMed 25544507 (cited by Labcorp Genetics (formerly Invitae), Labcorp).

NM_000158.4(GBE1):c.1622A>G (p.Asn541Ser)

Gene: GBE1 (1,4-alpha-glucan branching enzyme 1; minus strand). Cytogenetic location: 3p12.2.
Variant type: single nucleotide variant.
Coding change: c.1622A>G on transcript NM_000158.4 (MANE Select); coding-DNA position 1622, A replaced by G.
Protein change: p.Asn541Ser; replaces asparagine 541 with serine.
Molecular consequence: missense variant.
Genome position (GRCh38, 1-based): chr3:81,537,092, T>C on the plus strand (A>G on the coding strand, the complement: GBE1 is on the minus strand). VCF-style: chr3-81537092-T-C. GRCh37 (hg19) VCF-style: chr3-81586243-T-C.
Other names: short protein forms N541S.
Identifiers: ClinVar variation 2923326 (VCV002923326.4), dbSNP rs2471675648, ClinGen allele CA353686691.